The following is an entry in ClinVar:

NM_000256.3(MYBPC3):c.187C>T (p.Arg63Trp)

Gene: MYBPC3 (myosin binding protein C3; minus strand). Cytogenetic location: 11p11.2.
Variant type: single nucleotide variant.
Coding change: c.187C>T on transcript NM_000256.3 (MANE Select); coding-DNA position 187, C replaced by T.
Protein change: p.Arg63Trp; replaces arginine 63 with tryptophan.
Molecular consequence: missense variant.
Genome position (GRCh38, 1-based): chr11:47,351,344, G>A on the plus strand (C>T on the coding strand, the complement: MYBPC3 is on the minus strand). VCF-style: chr11-47351344-G-A. GRCh37 (hg19) VCF-style: chr11-47372895-G-A.
Other names: c.187C>T, p.Arg63Trp (LRG_386t1); short protein forms R63W.
Identifiers: ClinVar variation 392990 (VCV000392990.21), dbSNP rs373315466, ClinGen allele CA047089.

ClinVar aggregate classification (germline): Uncertain significance. Review status: criteria provided, multiple submitters, no conflicts (2 of 4 stars). 5 submissions from 5 submitters: Uncertain significance (5). Last evaluated 2025-11-17.

Conditions:
Cardiomyopathy (CMYO). Also called: Cardiomyopathies. Identifiers: Orphanet 167848, MedGen C0878544, MONDO:0004994, HP:0001638. Inheritance: Various modes of inheritance.
Cardiovascular phenotype. Identifiers: MedGen CN230736.
Hypertrophic cardiomyopathy. Also called: HYPERTROPHIC MYOCARDIOPATHY. Identifiers: Orphanet 217569, MedGen C0007194, MeSH D002312, MONDO:0005045, HP:0001639.

Allele frequency attached by ClinVar (database versions not stated): gnomAD exomes below 0.00001; TOPMed 0.00001; gnomAD 0.00005; ExAC 0.00008; ESP Exome Variant Server 0.00008; 1000 Genomes Project 30x 0.00016; 1000 Genomes Project 0.00020.
gnomAD v4.1: 13 of 1,600,378 alleles (0.00081%); highest among the groups gnomAD compares: African/African-American, 0.013%; no homozygotes.

Submissions (5):

Labcorp Genetics (formerly Invitae), Labcorp
Classification: Uncertain significance for Hypertrophic cardiomyopathy. Last evaluated: 2025-11-17. Review status: criteria provided, single submitter. Criteria: Invitae Variant Classification Sherloc (09022015). Collection method: clinical testing. Allele origin: germline.
Comment: This sequence change replaces arginine, which is basic and polar, with tryptophan, which is neutral and slightly polar, at codon 63 of the MYBPC3 protein (p.Arg63Trp). The frequency data for this variant in the population databases is considered unreliable, as metrics indicate poor data quality at this position in the gnomAD database. This missense change has been observed in individual(s) with hypertrophic cardiomyopathy (PMID: 27532257). ClinVar contains an entry for this variant (Variation ID: 392990). An algorithm developed to predict the effect of missense changes on protein structure and function (PolyPhen-2) suggests that this variant is likely to be disruptive. In summary, the available evidence is currently insufficient to determine the role of this variant in disease. Therefore, it has been classified as a Variant of Uncertain Significance.

Color Diagnostics, LLC DBA Color Health
Classification: Uncertain significance for Cardiomyopathy. Last evaluated: 2025-07-15. Review status: criteria provided, single submitter. Criteria: ACMG Guidelines, 2015. Collection method: clinical testing. Allele origin: germline.
Comment: This missense variant replaces arginine with tryptophan at codon 63 of the MYBPC3 protein. Computational prediction tool is inconclusive regarding the impact of this variant on protein structure and function. To our knowledge, functional studies have not been reported for this variant. This variant has been reported in an individual affected with hypertrophic cardiomyopathy (PMID: 27532257). This variant has been identified in 6/257582 chromosomes in the general population by the Genome Aggregation Database (gnomAD). The available evidence is insufficient to determine the role of this variant in disease conclusively. Therefore, this variant is classified as a Variant of Uncertain Significance.

Ambry Genetics
Classification: Uncertain significance for Cardiovascular phenotype. Last evaluated: 2025-04-25. Review status: criteria provided, single submitter. Criteria: Ambry Variant Classification Scheme 2023. Collection method: clinical testing. Allele origin: germline.
Comment: The p.R63W variant (also known as c.187C>T), located in coding exon 2 of the MYBPC3 gene, results from a C to T substitution at nucleotide position 187. The arginine at codon 63 is replaced by tryptophan, an amino acid with dissimilar properties. This variant has been reported in the Framingham Heart Study and Jackson Heart Study cohorts in individuals without over cardiomyopathy; however, clinical details were limited (Bick AG et al. Am J Hum Genet, 2012 Sep;91:513-9). This variant was also identified in one individual from a cardiomyopathy genetic testing cohort with limited clinical details provided (Walsh R et al. Genet Med, 2017 02;19:192-203). This amino acid position is not well conserved in available vertebrate species. In addition, the in silico prediction for this alteration is inconclusive. Since supporting evidence is limited at this time, the clinical significance of this alteration remains unclear.

GeneDx
Classification: Uncertain significance. Last evaluated: 2024-08-11. Review status: criteria provided, single submitter. Criteria: GeneDx Variant Classification Process June 2021. Collection method: clinical testing. Allele origin: germline. Affected: yes.
Comment: In silico analysis supports that this missense variant has a deleterious effect on protein structure/function; This variant is associated with the following publications: (PMID: 27532257, 22958901, 33782553, 28679633, 37652022, 35653365)

All of Us Research Program, National Institutes of Health
Classification: Uncertain significance for Hypertrophic cardiomyopathy. Last evaluated: 2024-03-05. Review status: criteria provided, single submitter. Criteria: ACMG Guidelines, 2015. Collection method: clinical testing. Allele origin: germline. Inheritance: Autosomal dominant inheritance. Observed: 2 variant alleles, 2 heterozygotes.
Comment: This missense variant replaces arginine with tryptophan at codon 63 of the MYBPC3 protein. Computational prediction suggests that this variant may not impact protein structure and function (internally defined REVEL score threshold <= 0.5, PMID: 27666373). To our knowledge, functional studies have not been reported for this variant. This variant has been reported in an individual affected with hypertrophic cardiomyopathy (PMID: 27532257). This variant has been identified in 6/257582 chromosomes in the general population by the Genome Aggregation Database (gnomAD). The available evidence is insufficient to determine the role of this variant in disease conclusively. Therefore, this variant is classified as a Variant of Uncertain Significance.

This study involves interpretation of variants in research participants for the purpose of population health screening. Participant phenotype was not available at the time of variant classification. Additional details can be found in publication PMID: 35346344, PMCID: PMC8962531

Literature cited by the submitters: PubMed 27532257 (cited by 4 submitters); PubMed 22958901 (cited by Ambry Genetics); PubMed 32841044 (cited by Ambry Genetics).